The following is an entry in ClinVar:

NM_017763.6(RNF43):c.669C>G (p.Arg223=)

Gene: RNF43 (ring finger protein 43; minus strand). Cytogenetic location: 17q22.
Variant type: single nucleotide variant.
Coding change: c.669C>G on transcript NM_017763.6 (MANE Select); coding-DNA position 669, C replaced by G.
Protein change: p.Arg223=; no amino-acid change (arginine 223 retained).
Molecular consequence: synonymous variant.
Genome position (GRCh38, 1-based): chr17:58,362,562, G>C on the plus strand (C>G on the coding strand, the complement: RNF43 is on the minus strand). VCF-style: chr17-58362562-G-C. GRCh37 (hg19) VCF-style: chr17-56439923-G-C.
Other names: c.669C>G, p.Arg223= (NM_001305544.3); c.288C>G, p.Arg96= (NM_001305545.2).
Identifiers: ClinVar variation 3434496 (VCV003434496.3).
Genomic context (GRCh38, chr17:58,362,562, plus strand): 5'-CACGCACACGTTCACCGCCGCCAAAGACCCCACACTGCTCACCGGCCTGCTGTGGCGGGG[G>C]CGGCACCGGATGCGCAGCACCGAAGCCAGGATGATCACAAAGATGGTGCCCACCACTGTC-3'
Protein context (NP_060233.3, residues 213-233): ILASVLRIRC[Arg223=]PRHSRPDPLQ

ClinVar aggregate classification (germline): Benign/Likely benign. Review status: criteria provided, multiple submitters, no conflicts (2 of 4 stars). 3 submissions from 3 submitters: Benign (1); Likely benign (2). Last evaluated 2026-06-30.

Conditions:
Hereditary cancer-predisposing syndrome. Also called: Neoplastic Syndromes, Hereditary; Tumor predisposition; Hereditary Cancer Syndrome; Hereditary neoplastic syndrome. Identifiers: Orphanet 140162, MedGen C0027672, MeSH D009386, MONDO:0015356.
Sessile serrated polyposis cancer syndrome (SSPCS). Identifiers: Orphanet 157798, MedGen C4310714, MONDO:0014919, OMIM 617108.

Submissions (3):

Myriad Genetics, Inc.
Classification: Benign for Sessile serrated polyposis cancer syndrome. Last evaluated: 2026-06-30. Review status: criteria provided, single submitter. Criteria: Myriad Autosomal Dominant, Autosomal Recessive and X-Linked Classification Criteria (2023). Collection method: clinical testing. Allele origin: unknown.
Comment: This variant is considered benign. This variant is a silent/synonymous amino acid change and it is not expected to impact splicing.

Ambry Genetics
Classification: Likely benign. Last evaluated: 2024-11-17. Review status: criteria provided, single submitter. Criteria: Ambry Variant Classification Scheme 2023. Collection method: clinical testing. Allele origin: germline.

Molecular Diagnostics Laboratory, Catalan Institute of Oncology
Classification: Likely benign for Hereditary cancer-predisposing syndrome. Last evaluated: 2024-09-02. Review status: criteria provided, single submitter. Criteria: ACMG Guidelines, 2015. Collection method: clinical testing. Allele origin: germline.
Comment: BP4, BP7, PM2_Supporting c.669C>G, located in exon 6 of the RNF43 gene, is predicted to result in no amino acid change, p.(Arg223=)(BP7). It is not present in the population database gnomAD v2.1.1, non cancer dataset (PM2_supporting). The SpliceAI algorithm predicts no significant impact on splicing (BP4). To our knowledge, neither clinical data nor functional studies have been reported for this variant. The variant is has not been reported neither in ClinVar nor LOVD databases. Based on currently available information, the variant c.669C>G is classified as a likely benign variant according to ACMG guidelines.